The following is an entry in ClinVar:

ClinVar aggregate classification (germline): Likely benign. Review status: criteria provided, multiple submitters, no conflicts (2 of 4 stars). 3 submissions from 3 submitters: Likely benign (3). Last evaluated 2025-12-21.

Conditions:
Hereditary breast ovarian cancer syndrome. Also called: Hereditary breast and ovarian cancer syndrome; Breast and ovarian cancer; BRCA1- and BRCA2-Associated Hereditary Breast and Ovarian Cancer; Hereditary breast and ovarian cancer syndrome (HBOC); Hereditary breast and/or ovarian cancer syndrome; Hereditary breast and ovarian cancer. Identifiers: Orphanet 145, MedGen C0677776, MeSH D061325, MONDO:0003582. Disease mechanism: loss of function.
Hereditary cancer-predisposing syndrome. Also called: Hereditary neoplastic syndrome; Hereditary Cancer Syndrome; Neoplastic Syndromes, Hereditary; Tumor predisposition. Identifiers: Orphanet 140162, MedGen C0027672, MeSH D009386, MONDO:0015356.

Allele frequency attached by ClinVar (database versions not stated): gnomAD exomes below 0.00001.
gnomAD v4.1: 3 of 1,510,748 alleles (0.0002%); highest among the groups gnomAD compares: Non-Finnish European, 0.00028%; no homozygotes.

Submissions (3):

Labcorp Genetics (formerly Invitae), Labcorp
Classification: Likely benign for Hereditary breast ovarian cancer syndrome. Last evaluated: 2025-12-21. Review status: criteria provided, single submitter. Criteria: Invitae Variant Classification Sherloc (09022015). Collection method: clinical testing. Allele origin: germline.

Color Diagnostics, LLC DBA Color Health
Classification: Likely benign for Hereditary cancer-predisposing syndrome. Last evaluated: 2019-09-09. Review status: criteria provided, single submitter. Criteria: ACMG Guidelines, 2015. Collection method: clinical testing. Allele origin: germline.

GeneDx
Classification: Likely benign. Last evaluated: 2017-05-17. Review status: criteria provided, single submitter. Criteria: GeneDx Variant Classification (06012015). Collection method: clinical testing. Allele origin: germline. Affected: yes.
Comment: This variant is considered likely benign or benign based on one or more of the following criteria: it is a conservative change, it occurs at a poorly conserved position in the protein, it is predicted to be benign by multiple in silico algorithms, and/or has population frequency not consistent with disease.

NM_000059.4(BRCA2):c.7008-11C>T

Gene: BRCA2 (BRCA2 DNA repair associated; plus strand). Cytogenetic location: 13q13.1.
Variant type: single nucleotide variant.
Coding change: c.7008-11C>T on transcript NM_000059.4 (MANE Select); 11 bases into the intron before coding-DNA position 7008, C replaced by T.
Molecular consequence: intron variant.
Genome position (GRCh38, 1-based): chr13:32,354,850, C>T. VCF-style: chr13-32354850-C-T. GRCh37 (hg19) VCF-style: chr13-32928987-C-T.
Identifiers: ClinVar variation 509605 (VCV000509605.12), dbSNP rs1555285973, ClinGen allele CA658798106.